The following is an entry in ClinVar:

ClinVar aggregate classification (germline): Pathogenic/Likely pathogenic. Review status: criteria provided, multiple submitters, no conflicts (2 of 4 stars). 4 submissions from 4 submitters: Pathogenic (3); Likely pathogenic (1). Last evaluated 2026-02-11.

Conditions:
Hereditary cancer-predisposing syndrome. Also called: Tumor predisposition; Hereditary Cancer Syndrome; Neoplastic Syndromes, Hereditary; Hereditary neoplastic syndrome. Identifiers: Orphanet 140162, MedGen C0027672, MeSH D009386, MONDO:0015356.
Autosomal dominant DICER1-related disorders.
DICER1-related tumor predisposition. Also called: DICER1-related pleuropulmonary blastoma cancer predisposition syndrome; DICER1 syndrome. Identifiers: Orphanet 284343, MedGen C3839822, MONDO:0100216.
Pleuropulmonary blastoma (PPB). Identifiers: Orphanet 64742, MedGen C1266144, MONDO:0011014, OMIM 601200, HP:0100528.

Submissions (4):

St. Jude Molecular Pathology, St. Jude Children's Research Hospital
Classification: Pathogenic for Pleuropulmonary blastoma. Last evaluated: 2026-02-11. Review status: criteria provided, single submitter. Criteria: St. Jude Assertion Criteria 2020. Collection method: clinical testing. Allele origin: germline.
Comment: The DICER1 c.256del p.(Arg86GlyfsTer42) change deletes one nucleotide to cause a frameshift and the creation of a premature stop codon. This change is predicted to cause protein truncation or absence of protein due to nonsense-mediated decay. This variant is also absent in gnomAD v2.1.1. In summary, this variant meets criteria to be classified as pathogenic.

Variantyx, Inc.
Classification: Likely pathogenic for Autosomal dominant DICER1-related disorders. Last evaluated: 2025-09-19. Review status: criteria provided, single submitter. Criteria: Variantyx Assertion Criteria 2022. Collection method: clinical testing. Allele origin: germline. Inheritance: Autosomal dominant inheritance. Affected: yes.
Comment: This is a frameshift variant in the DICER1 gene (OMIM: 606241). Pathogenic variants in this gene have been associated with autosomal dominant DICER1-related disorders. This variant introduces a premature termination codon in exon 3 out of 27 and is expected to result in loss of function, which is a known disease mechanism for DICER1 in this disorder (PMID: 19556464, 21266384) (PVS1). This variant is absent from control populations (PM2). Based on the current evidence, this variant is classified as likely pathogenic for autosomal dominant DICER1-related disorders.

Ambry Genetics
Classification: Pathogenic for Hereditary cancer-predisposing syndrome. Last evaluated: 2025-03-12. Review status: criteria provided, single submitter. Criteria: Ambry Variant Classification Scheme 2023. Collection method: clinical testing. Allele origin: germline.
Comment: The c.256delA pathogenic mutation, located in coding exon 2 of the DICER1 gene, results from a deletion of one nucleotide at nucleotide position 256, causing a translational frameshift with a predicted alternate stop codon (p.R86Gfs*42). This variant is considered to be rare based on population cohorts in the Genome Aggregation Database (gnomAD). This alteration is expected to result in loss of function by premature protein truncation or nonsense-mediated mRNA decay. As such, this alteration is interpreted as a disease-causing mutation.

Labcorp Genetics (formerly Invitae), Labcorp
Classification: Pathogenic for DICER1-related tumor predisposition. Last evaluated: 2025-01-26. Review status: criteria provided, single submitter. Criteria: Invitae Variant Classification Sherloc (09022015). Collection method: clinical testing. Allele origin: germline.
Comment: This sequence change creates a premature translational stop signal (p.Arg86Glyfs*42) in the DICER1 gene. It is expected to result in an absent or disrupted protein product. Loss-of-function variants in DICER1 are known to be pathogenic (PMID: 19556464, 21266384). This variant is not present in population databases (gnomAD no frequency). This variant has not been reported in the literature in individuals affected with DICER1-related conditions. ClinVar contains an entry for this variant (Variation ID: 477107). For these reasons, this variant has been classified as Pathogenic.

Literature cited by the submitters: PubMed 19556464 (cited by Variantyx, Inc. and Labcorp Genetics (formerly Invitae), Labcorp); PubMed 21266384 (cited by Variantyx, Inc. and Labcorp Genetics (formerly Invitae), Labcorp).

NM_177438.3(DICER1):c.256del (p.Arg86fs)

Gene: DICER1 (dicer 1, ribonuclease III; minus strand). Cytogenetic location: 14q32.13.
Variant type: Deletion.
Coding change: c.256del on transcript NM_177438.3 (MANE Select); coding-DNA position 256, one base deleted (A; older notation c.256delA).
Protein change: p.Arg86fs; shifts the reading frame from arginine 86.
Molecular consequence: frameshift variant.
Genome position (GRCh38, 1-based): chr14:95,132,566, T deleted on the plus strand (A on the coding strand, the reverse complement: DICER1 is on the minus strand). VCF-style (leftmost placement, unchanged base first): chr14-95132565-CT-C. GRCh37 (hg19) VCF-style: chr14-95598902-CT-C.
Other names: c.256delA (NM_177438.2); c.256del, p.Arg86fs (NM_001195573.1, NM_001271282.3, NM_001291628.2 and 1 more transcripts); c.256del (NM_177438.2); short protein forms R86fs.
Identifiers: ClinVar variation 477107 (VCV000477107.13), dbSNP rs1555376375, ClinGen allele CA658658273.